The following is an entry in ClinVar:

ClinVar aggregate classification (germline): Conflicting classifications of pathogenicity. Review status: criteria provided, conflicting classifications (1 of 4 stars). 2 submissions from 2 submitters: Uncertain significance (1); Likely benign (1). Last evaluated 2025-07-23.

Conditions:
Familial adenomatous polyposis 1 (FAP1). Also called: FAMILIAL ADENOMATOUS POLYPOSIS 1, ATTENUATED; POLYPOSIS, ADENOMATOUS INTESTINAL. Identifiers: MedGen C2713442, MONDO:0021056, OMIM 175100. Disease mechanism: loss of function.

Submissions (2):

Quest Diagnostics Nichols Institute San Juan Capistrano
Classification: Uncertain significance. Last evaluated: 2025-07-23. Review status: criteria provided, single submitter. Criteria: Quest Diagnostics criteria. Collection method: clinical testing. Allele origin: unknown.
Comment: The APC c.7023A>G (p.Lys2341=) synonymous variant has not been reported in individuals with APC-related conditions in the published literature. This variant has not been reported in large, multi-ethnic general populations (Genome Aggregation Database). Analysis of this variant using software algorithms for the prediction of the effect of nucleotide changes on splicing yielded predictions that this variant does not affect APC mRNA splicing. Based on the available information, we are unable to determine the clinical significance of this variant.

Labcorp Genetics (formerly Invitae), Labcorp
Classification: Likely benign for Familial adenomatous polyposis 1. Last evaluated: 2024-02-05. Review status: criteria provided, single submitter. Criteria: Invitae Variant Classification Sherloc (09022015). Collection method: clinical testing. Allele origin: germline.

NM_000038.6(APC):c.7023A>G (p.Lys2341=)

Gene: APC (APC regulator of Wnt signaling pathway; plus strand). Cytogenetic location: 5q22.2.
Variant type: single nucleotide variant.
Coding change: c.7023A>G on transcript NM_000038.6 (MANE Select); coding-DNA position 7023, A replaced by G.
Protein change: p.Lys2341=; no amino-acid change (lysine 2341 retained).
Molecular consequence: synonymous variant.
Genome position (GRCh38, 1-based): chr5:112,842,617, A>G. VCF-style: chr5-112842617-A-G. GRCh37 (hg19) VCF-style: chr5-112178314-A-G.
Other names: c.7023A>G, p.Lys2341= (NM_001127510.3, NM_001354895.2); c.6969A>G, p.Lys2323= (NM_001127511.3); c.6750A>G, p.Lys2250= (NM_001354902.2); c.6720A>G, p.Lys2240= (NM_001354903.2); c.6645A>G, p.Lys2215= (NM_001354904.2); c.6543A>G, p.Lys2181= (NM_001354905.2); c.6174A>G, p.Lys2058= (NM_001354906.2); c.7077A>G, p.Lys2359= (NM_001354896.2); and 6 more.
Identifiers: ClinVar variation 1569752 (VCV001569752.9), dbSNP rs2149978400, ClinGen allele CA446210740.